The following is an entry in ClinVar:

NM_001080467.3(MYO5B):c.3190C>T (p.Arg1064Ter)

Gene: MYO5B (myosin VB; minus strand). Cytogenetic location: 18q21.1.
Variant type: single nucleotide variant.
Coding change: c.3190C>T on transcript NM_001080467.3 (MANE Select); coding-DNA position 3190, C replaced by T.
Protein change: p.Arg1064Ter; replaces arginine 1064 with a stop codon.
Molecular consequence: nonsense.
Genome position (GRCh38, 1-based): chr18:49,879,031, G>A on the plus strand (C>T on the coding strand, the complement: MYO5B is on the minus strand). VCF-style: chr18-49879031-G-A. GRCh37 (hg19) VCF-style: chr18-47405401-G-A.
Other names: short protein forms R1064*.
Identifiers: ClinVar variation 1389337 (VCV001389337.8), dbSNP rs752799569, ClinGen allele CA8960806.
Genomic context (GRCh38, chr18:49,879,031, plus strand): 5'-GGTTGTCGTATCTCTGCTCCAACTGTGAATATTCCTTCACAAGGTTCTGGTACCGGGATC[G>A]CTCCTCCTCCAGTTCTTTCTTCATGAGATTTTCCTTCACAGAGTTCTGGGCAAATTCATC-3'

ClinVar aggregate classification (germline): Pathogenic (1 of 4 stars; one submission).

Allele frequency attached by ClinVar (database versions not stated): gnomAD exomes 0.00001.
gnomAD v4.1: 10 of 1,604,658 alleles (0.00062%); highest among the groups gnomAD compares: Non-Finnish European, 0.00068%; no homozygotes.

Submission:

Labcorp Genetics (formerly Invitae), Labcorp
Classification: Pathogenic. Last evaluated: 2025-07-28. Review status: criteria provided, single submitter. Criteria: Invitae Variant Classification Sherloc (09022015). Collection method: clinical testing. Allele origin: germline.
Comment: This sequence change creates a premature translational stop signal (p.Arg1064*) in the MYO5B gene. It is expected to result in an absent or disrupted protein product. Loss-of-function variants in MYO5B are known to be pathogenic (PMID: 18724368, 20186687). This variant is present in population databases (rs752799569, gnomAD 0.002%). This premature translational stop signal has been observed in individual(s) with microvillus inclusion disease (PMID: 29266534). ClinVar contains an entry for this variant (Variation ID: 1389337). For these reasons, this variant has been classified as Pathogenic.

Literature cited by the submitters: PubMed 18724368; PubMed 20186687; PubMed 29266534.